The following is an entry in ClinVar:

ClinVar aggregate classification (germline): Pathogenic/Likely pathogenic. Review status: criteria provided, multiple submitters, no conflicts (2 of 4 stars). 4 submissions from 4 submitters: Pathogenic (3); Likely pathogenic (1). Last evaluated 2025-05-02.

Conditions:
Hermansky-Pudlak syndrome (HPS). Also called: ALBINISM WITH HEMORRHAGIC DIATHESIS AND PIGMENTED RETICULOENDOTHELIAL CELLS. Identifiers: Orphanet 79430, MedGen C0079504, MONDO:0019312.
Hermansky-Pudlak syndrome 3 (HPS3). Identifiers: Orphanet 231512, Orphanet 79430, MedGen C3888001, MONDO:0013555, OMIM 614072.

Allele frequency attached by ClinVar (database versions not stated): gnomAD 0.00002; ExAC 0.00003; TOPMed 0.00004.
gnomAD v4.1: 34 of 1,409,338 alleles (0.0024%); highest among the groups gnomAD compares: Non-Finnish European, 0.0032%; no homozygotes.

Submissions (4):

Natera, Inc.
Classification: Likely pathogenic for Hermansky-Pudlak syndrome. Last evaluated: 2025-05-02. Review status: criteria provided, single submitter. Criteria: Natera Variant Classification Schema (03/2026). Collection method: clinical testing. Allele origin: germline.
Comment: The c.2589+1G>T variant in HPS3 is a canonical splice donor site variant predicted to affect pre-mRNA splicing, which may result in an abnormal transcript and altered protein product. This variant may result in a truncated or dysfunctional protein product. This variant is rare in the general population with a frequency below the threshold expected for the associated phenotype(s). This variant has been observed in one or more individuals affected with the associated recessive disease, as either homozygous or compound heterozygous with a second variant (PMID: 31898847). Given the available evidence, this variant is classified as Likely Pathogenic.

Revvity Omics, Revvity
Classification: Pathogenic for Hermansky-Pudlak syndrome 3. Last evaluated: 2025-01-09. Review status: criteria provided, single submitter. Criteria: ACMG Guidelines, 2015. Collection method: clinical testing. Allele origin: germline.

Baylor Genetics
Classification: Pathogenic for Hermansky-Pudlak syndrome 3. Last evaluated: 2024-01-30. Review status: criteria provided, single submitter. Criteria: ACMG Guidelines, 2015. Collection method: clinical testing. Allele origin: unknown.

Labcorp Genetics (formerly Invitae), Labcorp
Classification: Pathogenic. Last evaluated: 2023-12-04. Review status: criteria provided, single submitter. Criteria: Invitae Variant Classification Sherloc (09022015). Collection method: clinical testing. Allele origin: germline.
Comment: This sequence change affects a donor splice site in intron 14 of the HPS3 gene. RNA analysis indicates that disruption of this splice site induces altered splicing and likely results in a shortened protein product. This variant is present in population databases (rs281865095, gnomAD 0.003%). Disruption of this splice site has been observed in individual(s) with Hermansky-Pudlak syndrome 3 (PMID: 11590544, 31898847). In at least one individual the data is consistent with being in trans (on the opposite chromosome) from a pathogenic variant. It has also been observed to segregate with disease in related individuals. This variant is also known as c.2729+1G. ClinVar contains an entry for this variant (Variation ID: 962603). Studies have shown that disruption of this splice site results in skipping of exon 14, but is expected to preserve the integrity of the reading-frame (PMID: 11590544). For these reasons, this variant has been classified as Pathogenic.

Literature cited by the submitters: PubMed 31898847 (cited by Natera, Inc. and Labcorp Genetics (formerly Invitae), Labcorp); PubMed 11590544 (cited by Labcorp Genetics (formerly Invitae), Labcorp).

NM_032383.5(HPS3):c.2589+1G>T

Genes: CP (ceruloplasmin; minus strand), HPS3 (HPS3 biogenesis of lysosomal organelles complex 2 subunit 1; plus strand). Cytogenetic location: 3q24.
Variant type: single nucleotide variant.
Coding change: c.2589+1G>T on transcript NM_032383.5 (MANE Select); the canonical splice donor site of the intron after coding-DNA position 2589, G replaced by T.
Molecular consequence: splice donor variant.
Genome position (GRCh38, 1-based): chr3:149,163,950, G>T. VCF-style: chr3-149163950-G-T. GRCh37 (hg19) VCF-style: chr3-148881737-G-T.
Other names: c.2094+1G>T (NM_001308258.2).
Identifiers: ClinVar variation 962603 (VCV000962603.15), dbSNP rs281865095, ClinGen allele CA2660400.